The following is an entry in ClinVar:

ClinVar aggregate classification (germline): Benign (0 of 4 stars; one submission).

Conditions:
VWA3B-related disorder. Also called: VWA3B-related condition.

Allele frequency attached by ClinVar (database versions not stated): 1000 Genomes Project 30x 0.01093; 1000 Genomes Project 0.01138; ESP Exome Variant Server 0.03180.

Submissions (27):

PreventionGenetics, part of Exact Sciences
Classification: Benign for VWA3B-related condition. Last evaluated: 2019-07-08. Review status: no assertion criteria provided. Collection method: clinical testing. Allele origin: germline.
Comment: This variant is classified as benign based on ACMG/AMP sequence variant interpretation guidelines (Richards et al. 2015 PMID: 25741868, with internal and published modifications).

Dr. Peter K. Rogan Lab, Western University
No classification provided (evidence only). Condition: Acute myeloid leukemia. Review status: no classification provided. Collection method: in vitro. Allele origin: not applicable. Functional consequence: retained intron. Not counted in ClinVar's aggregate classification.

Dr. Peter K. Rogan Lab, Western University
No classification provided (evidence only). Condition: Acute myeloid leukemia. Review status: no classification provided. Collection method: in vitro. Allele origin: not applicable. Functional consequence: retained intron. Not counted in ClinVar's aggregate classification.

Dr. Peter K. Rogan Lab, Western University
No classification provided (evidence only). Condition: Acute myeloid leukemia. Review status: no classification provided. Collection method: in vitro. Allele origin: not applicable. Functional consequence: retained intron. Not counted in ClinVar's aggregate classification.

Dr. Peter K. Rogan Lab, Western University
No classification provided (evidence only). Condition: Acute myeloid leukemia. Review status: no classification provided. Collection method: in vitro. Allele origin: not applicable. Functional consequence: retained intron. Not counted in ClinVar's aggregate classification.

Dr. Peter K. Rogan Lab, Western University
No classification provided (evidence only). Condition: Colon adenocarcinoma. Review status: no classification provided. Collection method: in vitro. Allele origin: not applicable. Functional consequence: retained intron. Not counted in ClinVar's aggregate classification.

Dr. Peter K. Rogan Lab, Western University
No classification provided (evidence only). Condition: Uterine corpus endometrial carcinoma. Review status: no classification provided. Collection method: in vitro. Allele origin: not applicable. Functional consequence: retained intron. Not counted in ClinVar's aggregate classification.

Dr. Peter K. Rogan Lab, Western University
No classification provided (evidence only). Condition: Uterine corpus endometrial carcinoma. Review status: no classification provided. Collection method: in vitro. Allele origin: not applicable. Functional consequence: retained intron. Not counted in ClinVar's aggregate classification.

Dr. Peter K. Rogan Lab, Western University
No classification provided (evidence only). Condition: Uterine corpus endometrial carcinoma. Review status: no classification provided. Collection method: in vitro. Allele origin: not applicable. Functional consequence: retained intron. Not counted in ClinVar's aggregate classification.

Dr. Peter K. Rogan Lab, Western University
No classification provided (evidence only). Condition: Uterine corpus endometrial carcinoma. Review status: no classification provided. Collection method: in vitro. Allele origin: not applicable. Functional consequence: retained intron. Not counted in ClinVar's aggregate classification.

Dr. Peter K. Rogan Lab, Western University
No classification provided (evidence only). Condition: Uterine corpus endometrial carcinoma. Review status: no classification provided. Collection method: in vitro. Allele origin: not applicable. Functional consequence: retained intron. Not counted in ClinVar's aggregate classification.

Dr. Peter K. Rogan Lab, Western University
No classification provided (evidence only). Condition: Uterine corpus endometrial carcinoma. Review status: no classification provided. Collection method: in vitro. Allele origin: not applicable. Functional consequence: retained intron. Not counted in ClinVar's aggregate classification.

Dr. Peter K. Rogan Lab, Western University
No classification provided (evidence only). Condition: Uterine corpus endometrial carcinoma. Review status: no classification provided. Collection method: in vitro. Allele origin: not applicable. Functional consequence: retained intron. Not counted in ClinVar's aggregate classification.

Dr. Peter K. Rogan Lab, Western University
No classification provided (evidence only). Condition: Malignant lymphoma, large B-cell, diffuse. Review status: no classification provided. Collection method: in vitro. Allele origin: not applicable. Functional consequence: retained intron. Not counted in ClinVar's aggregate classification.

Dr. Peter K. Rogan Lab, Western University
No classification provided (evidence only). Condition: Nonpapillary renal cell carcinoma. Review status: no classification provided. Collection method: in vitro. Allele origin: not applicable. Functional consequence: retained intron. Not counted in ClinVar's aggregate classification.

Dr. Peter K. Rogan Lab, Western University
No classification provided (evidence only). Condition: Thymoma. Review status: no classification provided. Collection method: in vitro. Allele origin: not applicable. Functional consequence: retained intron. Not counted in ClinVar's aggregate classification.

Dr. Peter K. Rogan Lab, Western University
No classification provided (evidence only). Condition: Thymoma. Review status: no classification provided. Collection method: in vitro. Allele origin: not applicable. Functional consequence: retained intron. Not counted in ClinVar's aggregate classification.

Dr. Peter K. Rogan Lab, Western University
No classification provided (evidence only). Condition: Thymoma. Review status: no classification provided. Collection method: in vitro. Allele origin: not applicable. Functional consequence: retained intron. Not counted in ClinVar's aggregate classification.

Dr. Peter K. Rogan Lab, Western University
No classification provided (evidence only). Condition: Thymoma. Review status: no classification provided. Collection method: in vitro. Allele origin: not applicable. Functional consequence: retained intron. Not counted in ClinVar's aggregate classification.

Dr. Peter K. Rogan Lab, Western University
No classification provided (evidence only). Condition: Uveal melanoma. Review status: no classification provided. Collection method: in vitro. Allele origin: not applicable. Functional consequence: retained intron. Not counted in ClinVar's aggregate classification.

Dr. Peter K. Rogan Lab, Western University
No classification provided (evidence only). Condition: Familial pancreatic carcinoma. Review status: no classification provided. Collection method: in vitro. Allele origin: not applicable. Functional consequence: retained intron. Not counted in ClinVar's aggregate classification.

Dr. Peter K. Rogan Lab, Western University
No classification provided (evidence only). Condition: Familial pancreatic carcinoma. Review status: no classification provided. Collection method: in vitro. Allele origin: not applicable. Functional consequence: retained intron. Not counted in ClinVar's aggregate classification.

Dr. Peter K. Rogan Lab, Western University
No classification provided (evidence only). Condition: Lymphoma. Review status: no classification provided. Collection method: in vitro. Allele origin: not applicable. Functional consequence: retained intron. Not counted in ClinVar's aggregate classification.

Dr. Peter K. Rogan Lab, Western University
No classification provided (evidence only). Condition: Ovarian cancer. Review status: no classification provided. Collection method: in vitro. Allele origin: not applicable. Functional consequence: retained intron. Not counted in ClinVar's aggregate classification.

Dr. Peter K. Rogan Lab, Western University
No classification provided (evidence only). Condition: Ovarian cancer. Review status: no classification provided. Collection method: in vitro. Allele origin: not applicable. Functional consequence: retained intron. Not counted in ClinVar's aggregate classification.

Dr. Peter K. Rogan Lab, Western University
No classification provided (evidence only). Condition: Ovarian cancer. Review status: no classification provided. Collection method: in vitro. Allele origin: not applicable. Functional consequence: retained intron. Not counted in ClinVar's aggregate classification.

Dr. Peter K. Rogan Lab, Western University
No classification provided (evidence only). Condition: Ovarian cancer. Review status: no classification provided. Collection method: in vitro. Allele origin: not applicable. Functional consequence: skipped exon, retained intron. Not counted in ClinVar's aggregate classification.

NM_144992.5(VWA3B):c.1114G>T (p.Glu372Ter)

Gene: VWA3B (von Willebrand factor A domain containing 3B; plus strand). Cytogenetic location: 2q11.2.
Variant type: single nucleotide variant.
Coding change: c.1114G>T on transcript NM_144992.5 (MANE Select); coding-DNA position 1114, G replaced by T.
Protein change: p.Glu372Ter; replaces glutamic acid 372 with a stop codon.
Molecular consequence: nonsense. On other transcripts: non-coding transcript variant (3).
Genome position (GRCh38, 1-based): chr2:98,162,976, G>T. VCF-style: chr2-98162976-G-T. GRCh37 (hg19) VCF-style: chr2-98779439-G-T.
Other names: NC_000002.11:g.98779439G>T; c.85G>T, p.Glu29Ter (NM_001345864.2); short protein forms E29*, E372*.
Identifiers: ClinVar variation 3056040 (VCV003056040.3), dbSNP rs62154921, ClinGen allele CA1792429.